The following is an entry in ClinVar:

ClinVar aggregate classification (germline): Uncertain significance (1 of 4 stars; one submission).

Allele frequency attached by ClinVar (database versions not stated): gnomAD exomes 0.00003; TOPMed 0.00003; gnomAD 0.00004; ExAC 0.00005; 1000 Genomes Project 30x 0.00016; 1000 Genomes Project 0.00020.
gnomAD v4.1: 52 of 1,612,008 alleles (0.0032%); highest among the groups gnomAD compares: Admixed American, 0.02%; no homozygotes.

Submission:

Labcorp Genetics (formerly Invitae), Labcorp
Classification: Uncertain significance. Last evaluated: 2022-11-08. Review status: criteria provided, single submitter. Criteria: Invitae Variant Classification Sherloc (09022015). Collection method: clinical testing. Allele origin: germline.
Comment: This sequence change replaces alanine, which is neutral and non-polar, with threonine, which is neutral and polar, at codon 424 of the PIGU protein (p.Ala424Thr). The frequency data for this variant in the population databases is considered unreliable, as metrics indicate poor data quality at this position in the gnomAD database. This variant has not been reported in the literature in individuals affected with PIGU-related conditions. Algorithms developed to predict the effect of missense changes on protein structure and function output the following: SIFT: "Tolerated"; PolyPhen-2: "Benign"; Align-GVGD: "Class C0". The threonine amino acid residue is found in multiple mammalian species, which suggests that this missense change does not adversely affect protein function. In summary, the available evidence is currently insufficient to determine the role of this variant in disease. Therefore, it has been classified as a Variant of Uncertain Significance.

NM_080476.5(PIGU):c.1270G>A (p.Ala424Thr)

Gene: PIGU (phosphatidylinositol glycan anchor biosynthesis class U; minus strand). Cytogenetic location: 20q11.22.
Variant type: single nucleotide variant.
Coding change: c.1270G>A on transcript NM_080476.5 (MANE Select); coding-DNA position 1270, G replaced by A.
Protein change: p.Ala424Thr; replaces alanine 424 with threonine.
Molecular consequence: missense variant.
Genome position (GRCh38, 1-based): chr20:34,560,904, C>T on the plus strand (G>A on the coding strand, the complement: PIGU is on the minus strand). VCF-style: chr20-34560904-C-T. GRCh37 (hg19) VCF-style: chr20-33148708-C-T.
Other names: short protein forms A424T.
Identifiers: ClinVar variation 2185855 (VCV002185855.3), dbSNP rs531421778, ClinGen allele CA9822377.
Genomic context (GRCh38, chr20:34,560,904, plus strand): 5'-TGCAGCCCTGTGCCAGCCAGGCCTACTTGAGCACGAGCATGGCCTCTGTGCCATCCTTGG[C>T]GGTCAAGTAGAGGCCATGTGTGAGGTAGTACTCCCGCCGCAGGAAGGCATAGAAGTAATC-3'
Protein context (NP_536724.1, residues 414-434): YYLTHGLYLT[Ala424Thr]KDGTEAMLVL